The following is an entry in ClinVar:

ClinVar aggregate classification (germline): Pathogenic (1 of 4 stars; one submission).

Conditions:
COG4-congenital disorder of glycosylation. Also called: CONGENITAL DISORDER OF GLYCOSYLATION, TYPE IIj; CDG IIj; COG4-CDG. Identifiers: Orphanet 263501, MedGen C4303552, MONDO:0013281, OMIM 613489.

Submission:

Labcorp Genetics (formerly Invitae), Labcorp
Classification: Pathogenic for COG4-congenital disorder of glycosylation. Last evaluated: 2022-02-03. Review status: criteria provided, single submitter. Criteria: Invitae Variant Classification Sherloc (09022015). Collection method: clinical testing. Allele origin: germline.
Comment: This sequence change creates a premature translational stop signal (p.Thr3Profs*38) in the COG4 gene. It is expected to result in an absent or disrupted protein product. Loss-of-function variants in COG4 are known to be pathogenic (PMID: 21185756). This variant is not present in population databases (gnomAD no frequency). This variant has not been reported in the literature in individuals affected with COG4-related conditions. ClinVar contains an entry for this variant (Variation ID: 571433). For these reasons, this variant has been classified as Pathogenic.

Literature cited by the submitters: PubMed 21185756.

NM_015386.3(COG4):c.6del (p.Thr3fs)

Gene: COG4 (component of oligomeric golgi complex 4; minus strand). Cytogenetic location: 16q22.1.
Variant type: Deletion.
Coding change: c.6del on transcript NM_015386.3 (MANE Select); coding-DNA position 6, one base deleted (G; older notation c.6delG).
Protein change: p.Thr3fs; shifts the reading frame from threonine 3.
Molecular consequence: frameshift variant, initiator codon variant. On other transcripts: 5 prime UTR variant (2), non-coding transcript variant (1).
Genome position (GRCh38, 1-based): chr16:70,523,538, C deleted on the plus strand (G on the coding strand, the reverse complement: COG4 is on the minus strand); the first of 4 consecutive C bases (chr16:70,523,538-70,523,541); deleting any one gives the same sequence. VCF-style (leftmost placement, unchanged base first): chr16-70523537-TC-T. GRCh37 (hg19) VCF-style: chr16-70557440-TC-T.
Other names: c.-7del (NM_001195139.2); c.-594del (NM_001365426.1); short protein forms T3fs.
Identifiers: ClinVar variation 571433 (VCV000571433.7), dbSNP rs937887233, ClinGen allele CA283464362.